The following is an entry in ClinVar:

NM_004380.3(CREBBP):c.69G>A (p.Ser23=)

Genes: CREBBP (CREB binding lysine acetyltransferase; minus strand), LOC130058357 (ATAC-STARR-seq lymphoblastoid silent region 7141; plus strand). Cytogenetic location: 16p13.3.
Variant type: single nucleotide variant.
Coding change: c.69G>A on transcript NM_004380.3 (MANE Select); coding-DNA position 69, G replaced by A.
Protein change: p.Ser23=; no amino-acid change (serine 23 retained).
Molecular consequence: synonymous variant.
Genome position (GRCh38, 1-based): chr16:3,879,848, C>T on the plus strand (G>A on the coding strand, the complement: CREBBP is on the minus strand). VCF-style: chr16-3879848-C-T. GRCh37 (hg19) VCF-style: chr16-3929849-C-T.
Other names: c.69G>A, p.Ser23= (NM_001079846.1); c.69G>A (NM_004380.2).
Identifiers: ClinVar variation 1048115 (VCV001048115.8), dbSNP rs766095612, ClinGen allele CA7870761.

ClinVar aggregate classification (germline): Conflicting classifications of pathogenicity. Review status: criteria provided, conflicting classifications (1 of 4 stars). 4 submissions from 4 submitters: Uncertain significance (3); Likely benign (1). Last evaluated 2026-07-08.

Conditions:
Rubinstein-Taybi syndrome (RSTS). Identifiers: Orphanet 783, MedGen C0035934, MONDO:0019188.
Tip-toe gait. Also called: Toe walking. Identifiers: MedGen C0427144, HP:0030051.
Menke-Hennekam syndrome 1 (MKHK1). Identifiers: MedGen C5193034, MONDO:0020763, OMIM 618332.
Rubinstein-Taybi syndrome due to CREBBP mutations (RSTS1). Also called: CREBBP-Related Rubinstein-Taybi Syndrome; RUBINSTEIN-TAYBI SYNDROME 1, INCOMPLETE; BROAD THUMBS AND GREAT TOES, CHARACTERISTIC FACIES, AND IMPAIRED INTELLECTUAL DEVELOPMENT; BROAD THUMB-HALLUX SYNDROME; Rubinstein-Taybi syndrome 1; RUBINSTEIN SYNDROME. Identifiers: Orphanet 353277, Orphanet 783, MedGen C4551859, MONDO:0008393, OMIM 180849.
CREBBP-related disorder. Also called: CREBBP-related condition; CREBBP-related disorders.

Allele frequency attached by ClinVar (database versions not stated): gnomAD 0.00004 and 0.00003; ExAC 0.00001; gnomAD exomes 0.00001; TOPMed 0.00002.
gnomAD v4.1: 24 of 1,610,858 alleles (0.0015%); highest among the groups gnomAD compares: Admixed American, 0.0084%; no homozygotes.

Submissions (4):

PreventionGenetics, part of Exact Sciences
Classification: Uncertain significance for CREBBP-related condition. Last evaluated: 2026-07-08. Review status: criteria provided, single submitter. Criteria: ACMG Guidelines, 2015. Collection method: clinical testing. Allele origin: germline.
Comment: The CREBBP c.69G>A variant is not predicted to result in an amino acid change (p.=). This variant occurs in exon 1 of the CREBBP gene, and is predicted to enhance a cryptic splice acceptor site based on available splicing prediction programs (Alamut Visual Plus v1.6.1). However, the use of computer prediction programs is not equivalent to functional evidence. To our knowledge, this variant has not been reported in the literature. This variant is reported in 0.0065% of alleles in individuals of African descent in gnomAD. At this time, the clinical significance of this variant is uncertain due to the absence of conclusive functional and genetic evidence.

Labcorp Genetics (formerly Invitae), Labcorp
Classification: Likely benign for Rubinstein-Taybi syndrome. Last evaluated: 2025-04-15. Review status: criteria provided, single submitter. Criteria: Invitae Variant Classification Sherloc (09022015). Collection method: clinical testing. Allele origin: germline.

Fulgent Genetics
Classification: Uncertain significance for Rubinstein-Taybi syndrome due to CREBBP mutations; Menke-Hennekam syndrome 1. Last evaluated: 2021-09-22. Review status: criteria provided, single submitter. Criteria: ACMG Guidelines, 2015. Collection method: clinical testing. Allele origin: unknown.

Practice for Gait Abnormalities, David Pomarino, Competency Network Toe Walking C/o Practice Pomarino
Classification: Uncertain significance for Tip-toe gait. Last evaluated: 2020-12-08. Review status: criteria provided, single submitter. Criteria: ACMG Guidelines, 2015. Collection method: clinical testing. Allele origin: unknown. Affected: yes. Observed: 1 variant allele, 1 heterozygote.
Comment: Hereditary motor sensory neuropathy (HMSN), also known as Charcot-Marie-Tooth Disease (CMT), is the most commonly inherited peripheral polyneuropathy. It constitutes a group of inherited, progressive, motor and sensory peripheral nerve disorders with properties of demyelination, axonal degeneration, or both. It is classified by clinical characteristics, modes of inheritance, electrophysiologic features, metabolic defects, and specific gene markers. Our patients all walk on tiptoe, so they show similar symptoms. When we genetically test them with our toe walking panel, we find that around 90 per cent of them have a genetic variant that explains their toe walking. These can be assigned, for example, to the area of myopathies (such as variants of the COL6A3 gene), the area of hereditary neuropathies (such as variants of the KMT2C gene) or the area of metabolic diseases (such as variants of the PYGM gene). In a smaller group of patients with almost identical symptoms, no abnormality is found in the genes of our panel, but spastic paraplegia can be detected. In another small group of our toe walkers, no abnormalities can be detected in the genes analysed in our toe walking panel, nor do they suffer from spastic paraplegia, as is also the case with healthy children. In contrast to these, however, they show a tiptoe gait. These patients suffer from infantile cerebral palsy, in which toe walking can also be observed.

Literature cited by the submitters: PubMed 37091313 (cited by Practice for Gait Abnormalities, David Pomarino, Competency Network Toe Walking C/o Practice Pomarino).